The following is an entry in ClinVar:

NM_004744.5(LRAT):c.411C>G (p.Leu137=)

Gene: LRAT (lecithin retinol acyltransferase; plus strand). Cytogenetic location: 4q32.1.
Variant type: single nucleotide variant.
Coding change: c.411C>G on transcript NM_004744.5 (MANE Select); coding-DNA position 411, C replaced by G.
Protein change: p.Leu137=; no amino-acid change (leucine 137 retained).
Molecular consequence: synonymous variant.
Genome position (GRCh38, 1-based): chr4:154,744,737, C>G. VCF-style: chr4-154744737-C-G. GRCh37 (hg19) VCF-style: chr4-155665889-C-G.
Other names: c.411C>G (NM_004744.4); c.411C>G, p.Leu137= (NM_001301645.2).
Identifiers: ClinVar variation 2077978 (VCV002077978.6), dbSNP rs572457198, ClinGen allele CA3115866.

ClinVar aggregate classification (germline): Likely benign. Review status: criteria provided, single submitter (1 of 4 stars). 2 submissions from 2 submitters: Likely benign (1). 1 of the submissions does not count toward it. Last evaluated 2025-12-03.

Conditions:
LRAT-related disorder. Also called: LRAT-related condition.

Allele frequency attached by ClinVar (database versions not stated): TOPMed below 0.00001; gnomAD 0.00001; gnomAD exomes 0.00001; ExAC 0.00002; 1000 Genomes Project 30x 0.00016; 1000 Genomes Project 0.00020.
gnomAD v4.1: 8 of 1,614,204 alleles (0.0005%); highest among the groups gnomAD compares: East Asian, 0.016%; no homozygotes.

Submissions (2):

Labcorp Genetics (formerly Invitae), Labcorp
Classification: Likely benign. Last evaluated: 2025-12-03. Review status: criteria provided, single submitter. Criteria: Invitae Variant Classification Sherloc (09022015). Collection method: clinical testing. Allele origin: germline.

PreventionGenetics, part of Exact Sciences
Classification: Likely benign for LRAT-related condition. Last evaluated: 2021-01-22. Review status: no assertion criteria provided. Collection method: clinical testing. Allele origin: germline. Not counted in ClinVar's aggregate classification.
Comment: This variant is classified as likely benign based on ACMG/AMP sequence variant interpretation guidelines (Richards et al. 2015 PMID: 25741868, with internal and published modifications).